The following is an entry in ClinVar:

ClinVar aggregate classification (germline): Conflicting classifications of pathogenicity. Review status: criteria provided, conflicting classifications (1 of 4 stars). 2 submissions from 2 submitters: Likely pathogenic (1); Uncertain significance (1). Last evaluated 2025-09-26.

Conditions:
Bifunctional peroxisomal enzyme deficiency (DBIF). Also called: PBFE DEFICIENCY; DBP DEFICIENCY; D-bifunctional protein deficiency. Identifiers: Orphanet 300, MedGen C0342870, MONDO:0009855, OMIM 261515. Disease mechanism: loss of function.
Perrault syndrome 1 (PRLTS1). Also called: GONADAL DYSGENESIS, XX TYPE, WITH DEAFNESS; OVARIAN DYSGENESIS WITH SENSORINEURAL DEAFNESS. Identifiers: Orphanet 2855, Orphanet 642945, MedGen C4551721, MONDO:0009300, OMIM 233400.

Allele frequency attached by ClinVar (database versions not stated): gnomAD exomes below 0.00001.
gnomAD v4.1: 4 of 1,572,068 alleles (0.00025%); highest among the groups gnomAD compares: Non-Finnish European, 0.00035%; no homozygotes.

Submissions (2):

Undiagnosed Diseases Network, NIH
Classification: Likely pathogenic for Bifunctional peroxisomal enzyme deficiency. Last evaluated: 2025-09-26. Review status: criteria provided, single submitter. Criteria: ACMG Guidelines, 2015. Collection method: clinical testing. Allele origin: maternal. Affected: yes. Observed: 1 variant allele, 1 compound heterozygote. Study: Undiagnosed Diseases Network (NIH), UDN.
Comment: Aberrant splicing confirmed with RNAseq.

Illumina Laboratory Services, Illumina
Classification: Uncertain significance for Perrault syndrome 1. Last evaluated: 2021-05-21. Review status: criteria provided, single submitter. Criteria: ICSLVariantClassificationCriteria RUGD 01 April 2020. Collection method: clinical testing. Allele origin: unknown.
Comment: The HSD17B4 c.349+4A>G variant is a splice region variant. A literature search was performed for the gene and cDNA change. No publications were found based on this search. This variant is not found in the Genome Aggregation Database (versions 2.1.1 and 3.1.1) in a region of good sequencing coverage, so the variant is presumed to be rare. Based on the limited evidence, the c.349+4A>G variant is classified as a variant of uncertain significance for Perrault syndrome.

NM_000414.4(HSD17B4):c.349+4A>G

Gene: HSD17B4 (hydroxysteroid 17-beta dehydrogenase 4; plus strand). Cytogenetic location: 5q23.1.
Variant type: single nucleotide variant.
Coding change: c.349+4A>G on transcript NM_000414.4 (MANE Select); 4 bases into the intron after coding-DNA position 349, A replaced by G.
Molecular consequence: intron variant.
Genome position (GRCh38, 1-based): chr5:119,475,874, A>G. VCF-style: chr5-119475874-A-G. GRCh37 (hg19) VCF-style: chr5-118811569-A-G.
Other names: c.-63+4A>G (NM_001374503.1, NM_001374502.1, NM_001374501.1 and 1 more transcripts); c.424+4A>G (NM_001199291.3); c.22+147A>G (NM_001374499.1); c.-190+4A>G (NM_001374500.1); c.277+4A>G (NM_001292027.2); c.349+4A>G (NM_001374498.1, NM_001374497.1); c.295+4A>G (NM_001199292.2).
Identifiers: ClinVar variation 1328543 (VCV001328543.5), dbSNP rs2126690458, ClinGen allele CA2573052397.
Genomic context (GRCh38, chr5:119,475,874, plus strand): 5'-GATTTTTTAGAATTCTGAGGGATCGTTCCTTTGCTAGGATAAGTGATGAAGACTGGGGTA[A>G]GTTGTTTTTAGTATTTCTCTGGGGAACATACTTATCCATTTAGCCTTTTTAGTATTTGAT-3'